The following is an entry in ClinVar:

NM_015631.6(TCTN3):c.3G>A (p.Met1Ile)

Genes: TCTN3 (tectonic family member 3; minus strand), LOC130004408 (ATAC-STARR-seq lymphoblastoid active region 3801; plus strand). Cytogenetic location: 10q24.1.
Variant type: single nucleotide variant.
Coding change: c.3G>A on transcript NM_015631.6 (MANE Select); coding-DNA position 3, G replaced by A.
Protein change: p.Met1Ile; changes the start codon (methionine 1).
Molecular consequence: missense variant, initiator codon variant.
Genome position (GRCh38, 1-based): chr10:95,693,897, C>T on the plus strand (G>A on the coding strand, the complement: TCTN3 is on the minus strand). VCF-style: chr10-95693897-C-T. GRCh37 (hg19) VCF-style: chr10-97453654-C-T.
Other names: c.3G>A, p.Met1Ile (NM_001143973.2); short protein forms M1I.
Identifiers: ClinVar variation 217703 (VCV000217703.15), dbSNP rs745688122, ClinGen allele CA210256.

ClinVar aggregate classification (germline): Pathogenic/Likely pathogenic. Review status: criteria provided, multiple submitters, no conflicts (2 of 4 stars). 9 submissions from 9 submitters: Pathogenic (5); Likely pathogenic (4). Last evaluated 2026-08-01.

Conditions:
TCTN3-related disorder. Also called: TCTN3-related condition.
Autosomal recessive TCTN3-related disorders.
Joubert syndrome and related disorders. Identifiers: Orphanet 140874, MedGen C5679612, MONDO:0015369.
Orofacial-digital syndrome IV (OFD4). Also called: Orofaciodigital syndrome IV; BARAITSER-BURN SYNDROME; OFD SYNDROME WITH TIBIAL DEFECTS; OFD SYNDROME, BARAITSER-BURN TYPE; OFDS IV; ORAL-FACIAL-DIGITAL SYNDROME, TYPE IV. Identifiers: Orphanet 2753, MedGen C0406727, MONDO:0009794, OMIM 258860.
Joubert syndrome 18 (JBTS18). Identifiers: Orphanet 2754, MedGen C3553758, MONDO:0013896, OMIM 614815.

Allele frequency attached by ClinVar (database versions not stated): gnomAD 0.00002; gnomAD exomes 0.00003; TOPMed 0.00006.

Submissions (9):

PreventionGenetics, part of Exact Sciences
Classification: Likely pathogenic for TCTN3-related condition. Last evaluated: 2026-08-01. Review status: criteria provided, single submitter. Criteria: ACMG Guidelines, 2015. Collection method: clinical testing. Allele origin: germline.
Comment: The TCTN3 c.3G>A variant is predicted to disrupt the translation initiation site (Start Loss). The TCTN3 c.3G>A variant is predicted to disrupt the translation initiation site (Start loss). This variant has been reported in the homozygous state in an individual with Joubert syndrome (Table S5, Bachmann-Gagescu et al. 2015. PubMed ID: 26092869), in the heterozygous state without a second TCTN3 variant in an individual with Joubert syndrome (Supp Table 1, Schlottmann et al. 2023. PubMed ID: 37217489), and in the compound heterozygous state in an individual with orofaciodigital syndrome type IV (Huljev Frković et al. 2022. PubMed ID: 35170189). This variant is reported in 0.020% of alleles in individuals of Latino descent in gnomAD. This variant is interpreted as likely pathogenic.

Variantyx, Inc.
Classification: Pathogenic for Autosomal recessive TCTN3-related disorders. Last evaluated: 2025-11-07. Review status: criteria provided, single submitter. Criteria: Variantyx Assertion Criteria 2022. Collection method: clinical testing. Allele origin: germline. Inheritance: Autosomal recessive inheritance. Affected: no.
Comment: This is a start-loss variant in the TCTN3 gene (OMIM: 613847). Pathogenic variants in this gene have been associated with autosomal recessive TCTN3-related disorders. This variant results in loss of the initiation codon and is expected to result in loss of function, which is a known disease mechanism for TCTN3 in these disorders (PMID: 2692869, 22883145, 25118024) (PVS1). This variant has a 0.0118% maximum allele frequency in non-founder control populations (PM2) and it has been reported in the homozygous or compound heterozygous state in 2 affected individuals (PMID: 26092869,3517018). Based on the current evidence, this variant is classified as pathogenic for autosomal recessive TCTN3-related disorders.

Labcorp Genetics (formerly Invitae), Labcorp
Classification: Pathogenic for Joubert syndrome 18; Orofacial-digital syndrome IV. Last evaluated: 2024-10-02. Review status: criteria provided, single submitter. Criteria: Invitae Variant Classification Sherloc (09022015). Collection method: clinical testing. Allele origin: germline.
Comment: This sequence change affects the initiator methionine of the TCTN3 mRNA. The next in-frame methionine is located at codon 152. This variant is present in population databases (rs745688122, gnomAD 0.02%). Disruption of the initiator codon has been observed in individual(s) with personal or family history of Joubert syndrome (PMID: 26092869; internal data). In at least one individual the data is consistent with being in trans (on the opposite chromosome) from a pathogenic variant. ClinVar contains an entry for this variant (Variation ID: 217703). For these reasons, this variant has been classified as Pathogenic.

Women's Health and Genetics/Laboratory Corporation of America, LabCorp
Classification: Pathogenic for Joubert syndrome and related disorders. Last evaluated: 2024-09-19. Review status: criteria provided, single submitter. Criteria: LabCorp Variant Classification Summary - May 2015. Collection method: clinical testing. Allele origin: germline.
Comment: Variant summary: TCTN3 c.3G>A (p.Met1Ile) alters the initiation codon and is predicted to result either in absence of the protein or truncation of the encoded protein due to translation initiation at a downstream codon. The variant allele was found at a frequency of 3.2e-05 in 155526 control chromosomes. c.3G>A has been reported in the literature in individuals affected with Joubert Syndrome And Related Disorders. These data indicate that the variant is likely to be associated with disease. To our knowledge, no experimental evidence demonstrating an impact on protein function has been reported. The following publications have been ascertained in the context of this evaluation (PMID: 26092869, 35170189, 37217489). ClinVar contains an entry for this variant (Variation ID: 217703). Based on the evidence outlined above, the variant was classified as pathogenic.

Fulgent Genetics
Classification: Likely pathogenic for Orofacial-digital syndrome IV; Joubert syndrome 18. Last evaluated: 2024-01-23. Review status: criteria provided, single submitter. Criteria: ACMG Guidelines, 2015. Collection method: clinical testing. Allele origin: germline.

Eurofins-Biomnis
Classification: Likely pathogenic for Joubert syndrome 18. Last evaluated: 2022-12-13. Review status: criteria provided, single submitter. Criteria: Accession Criteria ClinVar Biomnis. Collection method: clinical testing. Allele origin: biparental. Affected: yes. Observed: 1 homozygote.

GeneDx
Classification: Likely pathogenic. Last evaluated: 2022-11-10. Review status: criteria provided, single submitter. Criteria: GeneDx Variant Classification Process June 2021. Collection method: clinical testing. Allele origin: germline. Affected: yes.
Comment: Also reported with a variant on the opposite allele (in trans) in a patient with features of a TCTN3-related disorder in the published literature (Huljev Frkovic et al., 2022); Initiation codon variant in a gene for which loss of function is a known mechanism of disease; This variant is associated with the following publications: (PMID: 26092869, 35170189)

Blueprint Genetics
Classification: Pathogenic for TCTN3-related disorders. Last evaluated: 2018-07-04. Review status: criteria provided, single submitter. Criteria: ACMG Guidelines, 2015. Collection method: clinical testing. Allele origin: germline. Affected: yes. Observed: 2 variant alleles.

UW Hindbrain Malformation Research Program, University of Washington
Classification: Pathogenic for Joubert syndrome 18. Last evaluated: 2015-02-23. Review status: criteria provided, single submitter. Criteria: Bachmann-Gagescu et al. (J Med Genet. 2015). Collection method: research. Allele origin: unknown. Affected: yes.

Literature cited by the submitters: PubMed 2692869 (cited by Variantyx, Inc.); PubMed 22883145 (cited by Variantyx, Inc.); PubMed 25118024 (cited by Variantyx, Inc.); PubMed 26092869 (cited by Labcorp Genetics (formerly Invitae), Labcorp and Women's Health and Genetics/Laboratory Corporation of America, LabCorp); PubMed 37217489 (cited by Women's Health and Genetics/Laboratory Corporation of America, LabCorp); PubMed 35170189 (cited by Women's Health and Genetics/Laboratory Corporation of America, LabCorp).